The following is an entry in ClinVar:

NM_021224.6(ZNF462):c.6631del (p.Arg2211fs)

Gene: ZNF462 (zinc finger protein 462; plus strand). Cytogenetic location: 9q31.2.
Variant type: Deletion.
Coding change: c.6631del on transcript NM_021224.6 (MANE Select); coding-DNA position 6631, one base deleted (C; older notation c.6631delC).
Protein change: p.Arg2211fs; shifts the reading frame from arginine 2211.
Molecular consequence: frameshift variant.
Genome position (GRCh38, 1-based): chr9:106,972,208, C deleted; the last of 2 consecutive C bases (chr9:106,972,207-106,972,208); deleting either gives the same sequence. VCF-style (leftmost placement, unchanged base first): chr9-106972206-AC-A. GRCh37 (hg19) VCF-style: chr9-109734487-AC-A.
Other names: c.4036del, p.Arg1346fs (NM_001347997.2); short protein forms R1346fs, R2211fs.
Identifiers: ClinVar variation 977141 (VCV000977141.1), dbSNP rs1826656424, ClinGen allele CA915940849.

ClinVar aggregate classification (germline): Likely pathogenic (1 of 4 stars; one submission).

Conditions:
Weiss-Kruszka syndrome. Also called: Metopic ridging-ptosis-facial dysmorphism syndrome. Identifiers: Orphanet 502430, MedGen C5568107, MONDO:0032836, OMIM 618619.

Submission:

Broad Center for Mendelian Genomics, Broad Institute of MIT and Harvard
Classification: Likely pathogenic. Last evaluated: 2020-05-29. Review status: criteria provided, single submitter. Criteria: ACMG Guidelines, 2015. Collection method: research. Allele origin: germline. Inheritance: Autosomal dominant inheritance.
Comment: Trio exome analysis showed this variant to be de novo. This variant has been reported in the literature in the same individual (PMID: 31361404), and was absent from large population studies. This variant is predicted to cause a frameshift, which alters the proteinâ€™s amino acid sequence beginning at position 2211 and leads to a premature termination codon 59 amino acids downstream. This alteration is then predicted to lead to a truncated or absent protein. While there is some evidence to suggest that heterozygous loss of function of the ZNF462 gene is a disease mechanism in Weiss-Kruszka syndrome, this association is not yet strongly established based on the criteria laid out in Tayoun, 2018 (PMID: 30192042). Furthermore, although this gene has been reported in association with Weiss-Kruszka syndrome, it currently has limited/moderate evidence for these associations. In summary, although additional studies are required to fully establish its clinical significance, this variant is likely pathogenic.

Literature cited by the submitters: PubMed 31361404.